The following is an entry in ClinVar:

ClinVar aggregate classification (germline): Likely benign. Review status: criteria provided, multiple submitters, no conflicts (2 of 4 stars). 3 submissions from 3 submitters: Likely benign (3). Last evaluated 2025-12-17.

Allele frequency attached by ClinVar (database versions not stated): ExAC 0.00001; gnomAD exomes 0.00001 and 0.00003; gnomAD 0.00003 and 0.00005; TOPMed 0.00005.
gnomAD v4.1: 52 of 1,609,248 alleles (0.0032%); highest among the groups gnomAD compares: Non-Finnish European, 0.0037%; no homozygotes.

Submissions (3):

Labcorp Genetics (formerly Invitae), Labcorp
Classification: Likely benign. Last evaluated: 2025-12-17. Review status: criteria provided, single submitter. Criteria: Invitae Variant Classification Sherloc (09022015). Collection method: clinical testing. Allele origin: germline.

CeGaT Center for Human Genetics Tuebingen
Classification: Likely benign. Last evaluated: 2025-11-01. Review status: criteria provided, single submitter. Criteria: CeGaT Center For Human Genetics Tuebingen Variant Classification Criteria Version 2. Collection method: clinical testing. Allele origin: germline. Affected: yes. Observed: 2 variant alleles.
Comment: ITPR1: BP4, BP7

Athena Diagnostics
Classification: Likely benign. Last evaluated: 2024-02-02. Review status: criteria provided, single submitter. Criteria: Athena Diagnostics Criteria. Collection method: clinical testing. Allele origin: unknown.

NM_001378452.1(ITPR1):c.3846C>T (p.Thr1282=)

Gene: ITPR1 (inositol 1,4,5-trisphosphate receptor type 1; plus strand). Cytogenetic location: 3p26.1.
Variant type: single nucleotide variant.
Coding change: c.3846C>T on transcript NM_001378452.1 (MANE Select); coding-DNA position 3846, C replaced by T.
Protein change: p.Thr1282=; no amino-acid change (threonine 1282 retained).
Molecular consequence: synonymous variant.
Genome position (GRCh38, 1-based): chr3:4,691,161, C>T. VCF-style: chr3-4691161-C-T. GRCh37 (hg19) VCF-style: chr3-4732845-C-T.
Other names: c.3819C>T, p.Thr1273= (NM_001099952.4); c.3801C>T, p.Thr1267= (NM_001168272.2); c.3774C>T, p.Thr1258= (NM_002222.7); c.3801C>T (NM_001168272.1).
Identifiers: ClinVar variation 1594890 (VCV001594890.20), dbSNP rs767697214, ClinGen allele CA2231832.